The following is an entry in ClinVar:

ClinVar aggregate classification (germline): Uncertain significance (1 of 4 stars; one submission).

Conditions:
Inborn genetic diseases. Identifiers: MedGen C0950123, MeSH D030342.

Submission:

Ambry Genetics
Classification: Uncertain significance for Inborn genetic diseases. Last evaluated: 2023-10-19. Review status: criteria provided, single submitter. Criteria: Ambry Variant Classification Scheme 2023. Collection method: clinical testing. Allele origin: germline.
Comment: The p.Y2006C variant (also known as c.6017A>G), located in coding exon 41 of the LRRK2 gene, results from an A to G substitution at nucleotide position 6017. The tyrosine at codon 2006 is replaced by cysteine, an amino acid with highly dissimilar properties. This amino acid position is conserved. In addition, this alteration is predicted to be tolerated by in silico analysis. Since supporting evidence is limited at this time, the clinical significance of this alteration remains unclear.

NM_198578.4(LRRK2):c.6017A>G (p.Tyr2006Cys)

Gene: LRRK2 (leucine rich repeat kinase 2; plus strand). Cytogenetic location: 12q12.
Variant type: single nucleotide variant.
Coding change: c.6017A>G on transcript NM_198578.4 (MANE Select); coding-DNA position 6017, A replaced by G.
Protein change: p.Tyr2006Cys; replaces tyrosine 2006 with cysteine.
Molecular consequence: missense variant.
Genome position (GRCh38, 1-based): chr12:40,340,362, A>G. VCF-style: chr12-40340362-A-G. GRCh37 (hg19) VCF-style: chr12-40734164-A-G.
Other names: short protein forms Y2006C.
Identifiers: ClinVar variation 3229719 (VCV003229719.1), dbSNP rs2499948030, ClinGen allele CA384403790.